The following is an entry in ClinVar:

ClinVar aggregate classification (germline): Uncertain significance (1 of 4 stars; one submission).

Submission:

Dasa
Classification: Uncertain significance. Last evaluated: 2026-06-18. Review status: criteria provided, single submitter. Criteria: DASA Assertion Criteria. Collection method: clinical testing. Allele origin: germline.
Comment: NM_021035.3(ZNFX1):c.5170G>T (p.Val1724Phe) is a missense variant that results in the substitution of valine with phenylalanine. This variant is absent from population databases. The currently available literature and clinical evidence are not sufficient to establish a definitive association between this variant and the reported condition. Therefore, this variant is classified as a variant of uncertain significance.

NM_021035.3(ZNFX1):c.5170G>T (p.Val1724Phe)

Gene: ZNFX1 (zinc finger NFX1-type containing 1; minus strand). Cytogenetic location: 20q13.13.
Variant type: single nucleotide variant.
Coding change: c.5170G>T on transcript NM_021035.3 (MANE Select); coding-DNA position 5170, G replaced by T.
Protein change: p.Val1724Phe; replaces valine 1724 with phenylalanine.
Molecular consequence: missense variant.
Genome position (GRCh38, 1-based): chr20:49,247,854, C>A on the plus strand (G>T on the coding strand, the complement: ZNFX1 is on the minus strand). VCF-style: chr20-49247854-C-A. GRCh37 (hg19) VCF-style: chr20-47864391-C-A.
Other names: short protein forms V1724F.
Identifiers: ClinVar variation 5020351 (VCV005020351.1).